The following is an entry in ClinVar:

NM_203447.4(DOCK8):c.3565A>G (p.Ile1189Val)

Gene: DOCK8 (dedicator of cytokinesis 8; plus strand). Cytogenetic location: 9p24.3.
Variant type: single nucleotide variant.
Coding change: c.3565A>G on transcript NM_203447.4 (MANE Select); coding-DNA position 3565, A replaced by G.
Protein change: p.Ile1189Val; replaces isoleucine 1189 with valine.
Molecular consequence: missense variant.
Genome position (GRCh38, 1-based): chr9:414,816, A>G. VCF-style: chr9-414816-A-G. GRCh37 (hg19) VCF-style: chr9-414816-A-G.
Other names: p.I1121V:ATT>GTT; c.3265A>G, p.Ile1089Val (NM_001190458.2); c.3361A>G, p.Ile1121Val (NM_001193536.2); short protein forms I1189V, I1121V, I1089V.
Identifiers: ClinVar variation 137147 (VCV000137147.23), dbSNP rs77399114, ClinGen allele CA290671.
Genomic context (GRCh38, chr9:414,816, plus strand): 5'-TCTTGATTCCTGTGTTGTGCCAACAGAATCAGCAAAGTACAAAGGAAAGCTGTCAGTGCA[A>G]TTCACAGCCTGCTAAGTTCTCACGACCTGGACCCACGCTGTGTCAAACCAGAGGTGAAGG-3'
Protein context (NP_982272.2, residues 1179-1199): SKVQRKAVSA[Ile1189Val]HSLLSSHDLD

ClinVar aggregate classification (germline): Benign/Likely benign. Review status: criteria provided, multiple submitters, no conflicts (2 of 4 stars). 8 submissions from 8 submitters: Benign (7); Likely benign (1). Last evaluated 2026-02-01.

Conditions:
Combined immunodeficiency due to DOCK8 deficiency (HIES2). Also called: HYPER-IgE SYNDROME 2, AUTOSOMAL RECESSIVE, WITH RECURRENT INFECTIONS; DOCK8 Deficiency; HIES autosomal recessive; HYPER-IgE RECURRENT INFECTION SYNDROME 2, AUTOSOMAL RECESSIVE; Hyper-IgE recurrent infection syndrome, autosomal recessive. Identifiers: Orphanet 217390, MedGen C4722305, MONDO:0009478, OMIM 243700.

Allele frequency attached by ClinVar (database versions not stated): gnomAD exomes 0.00205 and 0.00559; ExAC 0.00689; gnomAD 0.01957 and 0.02082; TOPMed 0.02248; ESP Exome Variant Server 0.02353; 1000 Genomes Project 0.02416; 1000 Genomes Project 30x 0.02623.
gnomAD v4.1: 6,061 of 1,614,158 alleles (0.38%); highest among the groups gnomAD compares: African/African-American, 6.9%; 196 homozygotes.

Submissions (8):

Labcorp Genetics (formerly Invitae), Labcorp
Classification: Benign for Combined immunodeficiency due to DOCK8 deficiency. Last evaluated: 2026-02-01. Review status: criteria provided, single submitter. Criteria: Invitae Variant Classification Sherloc (09022015). Collection method: clinical testing. Allele origin: germline.

Women's Health and Genetics/Laboratory Corporation of America, LabCorp
Classification: Likely benign. Last evaluated: 2026-01-21. Review status: criteria provided, single submitter. Criteria: LabCorp Variant Classification Summary - May 2015. Collection method: clinical testing. Allele origin: germline.

Mayo Clinic Laboratories, Mayo Clinic
Classification: Benign. Last evaluated: 2020-02-05. Review status: criteria provided, single submitter. Criteria: ACMG Guidelines, 2015. Collection method: clinical testing. Allele origin: germline. Observed: 4 variant alleles.

Illumina Laboratory Services, Illumina
Classification: Benign for Combined immunodeficiency due to DOCK8 deficiency. Last evaluated: 2018-01-13. Review status: criteria provided, single submitter. Criteria: ICSL Variant Classification Criteria 13 December 2019. Collection method: clinical testing. Allele origin: germline.
Comment: This variant was observed in the ICSL laboratory as part of a predisposition screen in an ostensibly healthy population. It had not been previously curated by ICSL or reported in the Human Gene Mutation Database (HGMD: prior to June 1st, 2018), and was therefore a candidate for classification through an automated scoring system. Utilizing variant allele frequency, disease prevalence and penetrance estimates, and inheritance mode, an automated score was calculated to assess if this variant is too frequent to cause the disease. Based on the score and internal cut-off values, a variant classified as benign is not then subjected to further curation. The score for this variant resulted in a classification of benign for this disease.

Center for Pediatric Genomic Medicine, Children's Mercy Hospital and Clinics
Classification: Benign. Last evaluated: 2015-06-04. Review status: criteria provided, single submitter. Criteria: ACMG Guidelines, 2015. Collection method: clinical testing. Allele origin: germline.

GeneDx
Classification: Benign. Last evaluated: 2014-03-21. Review status: criteria provided, single submitter. Criteria: GeneDx Variant Classification (06012015). Collection method: clinical testing. Allele origin: germline. Affected: yes.
Comment: This variant is considered likely benign or benign based on one or more of the following criteria: it is a conservative change, it occurs at a poorly conserved position in the protein, it is predicted to be benign by multiple in silico algorithms, and/or has population frequency not consistent with disease.

Laboratory for Molecular Medicine, Mass General Brigham Personalized Medicine
Classification: Benign. Last evaluated: 2013-02-21. Review status: criteria provided, single submitter. Criteria: LMM Criteria. Collection method: clinical testing. Allele origin: germline. Observed: 1 variant allele.
Comment: Ile1189Val in exon 29 of DOCK8: This variant is not expected to have clinical si gnificance because it has been identified in 6.9% (302/4406) of African American chromosomes from a broad population by the NHLBI Exome Sequencing Project (dbSNP rs77399114).

Breakthrough Genomics
Classification: Benign. Review status: criteria provided, single submitter. Criteria: ACMG Guidelines, 2015. Collection method: not provided. Allele origin: germline. Inheritance: Autosomal recessive inheritance. Affected: yes.